The following is an entry in ClinVar:

ClinVar aggregate classification (germline): Uncertain significance (1 of 4 stars; one submission).

Conditions:
Developmental delay with variable intellectual impairment and behavioral abnormalities. Identifiers: MedGen C5193092, MONDO:0032745, OMIM 618430.

Allele frequency attached by ClinVar (database versions not stated): ESP Exome Variant Server 0.00008.
gnomAD v4.1: 2 of 1,614,046 alleles (0.00012%); highest among the groups gnomAD compares: Non-Finnish European, 0.000085%; no homozygotes.

Submission:

Neuberg Centre For Genomic Medicine, NCGM
Classification: Uncertain significance for Developmental delay with variable intellectual impairment and behavioral abnormalities. Review status: criteria provided, single submitter. Criteria: ACMG Guidelines, 2015. Collection method: clinical testing. Allele origin: germline. Inheritance: Autosomal dominant inheritance. Affected: yes.
Comment: The missense variant c.569C>G (p.Ser190Cys) in TCF20 gene has not been reported previously as a pathogenic variant nor as a benign variant, to our knowledge. The p.Ser190Cys variant has allele frequency 0.0004% in gnomAD exomes and is not reported in 1000 Genomes. This variant has not been reported to the ClinVar database. The amino acid Ser at position 190 is changed to a Cys changing protein sequence and it might alter its composition and physico-chemical properties. The amino acid change p.Ser190Cys in TCF20 is predicted as conserved by GERP++ and PhyloP across 100 vertebrates. For these reasons, this variant has been classified as Uncertain Significance (VUS).

NM_001378418.1(TCF20):c.569C>G (p.Ser190Cys)

Gene: TCF20 (transcription factor 20; minus strand). Cytogenetic location: 22q13.2.
Variant type: single nucleotide variant.
Coding change: c.569C>G on transcript NM_001378418.1 (MANE Select); coding-DNA position 569, C replaced by G.
Protein change: p.Ser190Cys; replaces serine 190 with cysteine.
Molecular consequence: missense variant.
Genome position (GRCh38, 1-based): chr22:42,214,737, G>C on the plus strand (C>G on the coding strand, the complement: TCF20 is on the minus strand). VCF-style: chr22-42214737-G-C. GRCh37 (hg19) VCF-style: chr22-42610743-G-C.
Other names: c.569C>G, p.Ser190Cys (NM_005650.4, NM_181492.3); short protein forms S190C.
Identifiers: ClinVar variation 2585011 (VCV002585011.1), dbSNP rs374569196, ClinGen allele CA10267335.